The following is an entry in ClinVar:

NM_004329.3(BMPR1A):c.140G>T (p.Gly47Val)

Gene: BMPR1A (bone morphogenetic protein receptor type 1A; plus strand). Cytogenetic location: 10q23.2.
Variant type: single nucleotide variant.
Coding change: c.140G>T on transcript NM_004329.3 (MANE Select); coding-DNA position 140, G replaced by T.
Protein change: p.Gly47Val; replaces glycine 47 with valine.
Molecular consequence: missense variant.
Genome position (GRCh38, 1-based): chr10:86,890,134, G>T. VCF-style: chr10-86890134-G-T. GRCh37 (hg19) VCF-style: chr10-88649891-G-T.
Other names: short protein forms G47V.
Identifiers: ClinVar variation 419865 (VCV000419865.19), dbSNP rs368595543, ClinGen allele CA5585437.

ClinVar aggregate classification (germline): Uncertain significance. Review status: criteria provided, multiple submitters, no conflicts (2 of 4 stars). 6 submissions from 6 submitters: Uncertain significance (6). Last evaluated 2025-11-06.

Conditions:
Juvenile polyposis syndrome (JPS). Identifiers: Orphanet 2929, MedGen C0345893, MONDO:0017380, OMIM 174900.
Hereditary cancer-predisposing syndrome. Also called: Hereditary neoplastic syndrome; Hereditary Cancer Syndrome; Neoplastic Syndromes, Hereditary; Tumor predisposition. Identifiers: Orphanet 140162, MedGen C0027672, MeSH D009386, MONDO:0015356.
Polyposis syndrome, hereditary mixed, 2. Identifiers: Orphanet 157794, MedGen C1864730, MONDO:0012405, OMIM 610069.

Allele frequency attached by ClinVar (database versions not stated): ESP Exome Variant Server 0.00008.
gnomAD v4.1: 2 of 1,613,952 alleles (0.00012%); highest among the groups gnomAD compares: Non-Finnish European, 0.000085%; no homozygotes.

Submissions (6):

Ambry Genetics
Classification: Uncertain significance for Hereditary cancer-predisposing syndrome. Last evaluated: 2025-11-06. Review status: criteria provided, single submitter. Criteria: Ambry Variant Classification Scheme 2023. Collection method: clinical testing. Allele origin: germline.
Comment: The p.G47V variant (also known as c.140G>T), located in coding exon 2 of the BMPR1A gene, results from a G to T substitution at nucleotide position 140. The glycine at codon 47 is replaced by valine, an amino acid with dissimilar properties. This amino acid position is highly conserved in available vertebrate species. In addition, the in silico prediction for this alteration is inconclusive. Based on the available evidence, the clinical significance of this variant remains unclear.

All of Us Research Program, National Institutes of Health
Classification: Uncertain significance for Juvenile polyposis syndrome. Last evaluated: 2023-12-18. Review status: criteria provided, single submitter. Criteria: ACMG Guidelines, 2015. Collection method: clinical testing. Allele origin: germline. Inheritance: Autosomal dominant inheritance. Observed: 1 variant allele, 1 heterozygote.
Comment: This missense variant replaces glycine with valine at codon 47 of the BMPR1A protein. Computational prediction suggests that this variant may not impact protein structure and function (internally defined REVEL score threshold <= 0.5, PMID: 27666373). To our knowledge, functional studies have not been reported for this variant. This variant has not been reported in individuals affected with BMPR1A-related disorders in the literature. This variant has not been identified in the general population by the Genome Aggregation Database (gnomAD). The available evidence is insufficient to determine the role of this variant in disease conclusively. Therefore, this variant is classified as a Variant of Uncertain Significance.

This study involves interpretation of variants in research participants for the purpose of population health screening. Participant phenotype was not available at the time of variant classification. Additional details can be found in publication PMID: 35346344, PMCID: PMC8962531

Baylor Genetics
Classification: Uncertain significance for Polyposis syndrome, hereditary mixed, 2. Last evaluated: 2023-11-30. Review status: criteria provided, single submitter. Criteria: ACMG Guidelines, 2015. Collection method: clinical testing. Allele origin: unknown.

Color Diagnostics, LLC DBA Color Health
Classification: Uncertain significance for Hereditary cancer-predisposing syndrome. Last evaluated: 2023-11-24. Review status: criteria provided, single submitter. Criteria: ACMG Guidelines, 2015. Collection method: clinical testing. Allele origin: germline.
Comment: This missense variant replaces glycine with valine at codon 47 of the BMPR1A protein. Computational prediction suggests that this variant may not impact protein structure and function (internally defined REVEL score threshold <= 0.5, PMID: 27666373). To our knowledge, functional studies have not been reported for this variant. This variant has not been reported in individuals affected with BMPR1A-related disorders in the literature. This variant has not been identified in the general population by the Genome Aggregation Database (gnomAD). The available evidence is insufficient to determine the role of this variant in disease conclusively. Therefore, this variant is classified as a Variant of Uncertain Significance.

Labcorp Genetics (formerly Invitae), Labcorp
Classification: Uncertain significance for Juvenile polyposis syndrome. Last evaluated: 2020-05-25. Review status: criteria provided, single submitter. Criteria: Invitae Variant Classification Sherloc (09022015). Collection method: clinical testing. Allele origin: germline.
Comment: In summary, the available evidence is currently insufficient to determine the role of this variant in disease. Therefore, it has been classified as a Variant of Uncertain Significance. Algorithms developed to predict the effect of missense changes on protein structure and function are either unavailable or do not agree on the potential impact of this missense change (SIFT: "Deleterious"; PolyPhen-2: "Possibly Damaging"; Align-GVGD: "Class C15"). This variant has not been reported in the literature in individuals with BMPR1A-related conditions. ClinVar contains an entry for this variant (Variation ID: 419865). This variant is present in population databases (rs368595543, ExAC 0.001%). This sequence change replaces glycine with valine at codon 47 of the BMPR1A protein (p.Gly47Val). The glycine residue is highly conserved and there is a moderate physicochemical difference between glycine and valine.

GeneDx
Classification: Uncertain significance. Last evaluated: 2015-09-22. Review status: criteria provided, single submitter. Criteria: GeneDx Variant Classification (06012015). Collection method: clinical testing. Allele origin: germline. Affected: yes.
Comment: This variant is denoted BMPR1A c.140G>T at the cDNA level, p.Gly47Val (G47V) at the protein level, and results in the change of a Glycine to a Valine (GGA>GTA). This variant has not, to our knowledge, been published in the literature as pathogenic or benign. BMPR1A Gly47Val was not observed at a significant allele frequency in the NHLBI Exome Sequencing Project. Since Glycine and Valine share similar properties, this is considered a conservative amino acid substitution. BMPR1A Gly47Val occurs at a position that is conserved in mammals and is located within the extracellular domain (UniProt). In silico analyses are inconsistent regarding the effect this variant may have on protein structure and function. Based on currently available information, it is unclear whether BMPR1A Gly47Val is pathogenic or benign. We consider it to be a variant of uncertain significance.